The following is an entry in ClinVar:

NM_000135.4(FANCA):c.2477C>T (p.Thr826Met)

Gene: FANCA (FA complementation group A; minus strand). Cytogenetic location: 16q24.3.
Variant type: single nucleotide variant.
Coding change: c.2477C>T on transcript NM_000135.4 (MANE Select); coding-DNA position 2477, C replaced by T.
Protein change: p.Thr826Met; replaces threonine 826 with methionine.
Molecular consequence: missense variant.
Genome position (GRCh38, 1-based): chr16:89,769,864, G>A on the plus strand (C>T on the coding strand, the complement: FANCA is on the minus strand). VCF-style: chr16-89769864-G-A. GRCh37 (hg19) VCF-style: chr16-89836272-G-A.
Other names: c.2477C>T, p.Thr826Met (NM_001286167.3); short protein forms T826M.
Identifiers: ClinVar variation 1498128 (VCV001498128.10), dbSNP rs765888048, ClinGen allele CA8251720.
Genomic context (GRCh38, chr16:89,769,864, plus strand): 5'-GAGAGAAGACGCGACTGTGGAAGAAGAGCTCACTTCAGGCAGAAGAACAAGGAATCCCTC[G>A]TCCTACAGGTCAGGAGGCTGTCAAAGAGCGCAGGGACAGGAAGGCCAGCACCAGGTGCAG-3'
Protein context (NP_000126.2, residues 816-836): ALFDSLLTCR[Thr826Met]RDSLFFCLKF

ClinVar aggregate classification (germline): Uncertain significance. Review status: criteria provided, multiple submitters, no conflicts (2 of 4 stars). 2 submissions from 2 submitters: Uncertain significance (2). Last evaluated 2025-08-29.

Conditions:
Fanconi anemia (FA). Also called: Fanconi's anemia. Identifiers: Orphanet 84, MedGen C0015625, MeSH D005199, MONDO:0019391.

Allele frequency attached by ClinVar (database versions not stated): ExAC 0.00001.
gnomAD v4.1: 5 of 1,613,982 alleles (0.00031%); highest among the groups gnomAD compares: East Asian, 0.0022%; no homozygotes.

Submissions (2):

Quest Diagnostics Nichols Institute San Juan Capistrano
Classification: Uncertain significance. Last evaluated: 2025-08-29. Review status: criteria provided, single submitter. Criteria: Quest Diagnostics criteria. Collection method: clinical testing. Allele origin: unknown.
Comment: The FANCA c.2477C>T (p.Thr826Met) variant has not been reported in the germline of individuals with FANCA-related conditions in the published literature. The frequency of this variant in the general population (Genome Aggregation Database) is uninformative in the assessment of its pathogenicity. Analysis of this variant using bioinformatics tools for the prediction of the effect of amino acid changes on protein structure and function yielded conflicting predictions that this variant is benign or damaging. Based on the available information, we are unable to determine the clinical significance of this variant.

Labcorp Genetics (formerly Invitae), Labcorp
Classification: Uncertain significance for Fanconi anemia. Last evaluated: 2024-08-12. Review status: criteria provided, single submitter. Criteria: Invitae Variant Classification Sherloc (09022015). Collection method: clinical testing. Allele origin: germline.
Comment: This sequence change replaces threonine, which is neutral and polar, with methionine, which is neutral and non-polar, at codon 826 of the FANCA protein (p.Thr826Met). This variant is present in population databases (rs765888048, gnomAD 0.01%). This variant has not been reported in the literature in individuals affected with FANCA-related conditions. ClinVar contains an entry for this variant (Variation ID: 1498128). Advanced modeling of protein sequence and biophysical properties (such as structural, functional, and spatial information, amino acid conservation, physicochemical variation, residue mobility, and thermodynamic stability) performed at Invitae indicates that this missense variant is expected to disrupt FANCA protein function with a positive predictive value of 80%. In summary, the available evidence is currently insufficient to determine the role of this variant in disease. Therefore, it has been classified as a Variant of Uncertain Significance.

Literature cited by the submitters: PubMed 27733357 (cited by Quest Diagnostics Nichols Institute San Juan Capistrano).